The following is an entry in ClinVar:

ClinVar aggregate classification (germline): Uncertain significance (1 of 4 stars; one submission).

Conditions:
Progressive familial heart block type IB (PFHB1B). Identifiers: Orphanet 871, MedGen C1970298, MONDO:0011474, OMIM 604559.

gnomAD v4.1: 1 of 1,605,858 alleles (0.000062%); highest among the groups gnomAD compares: Non-Finnish European, 0.000085%; no homozygotes.

Submission:

Labcorp Genetics (formerly Invitae), Labcorp
Classification: Uncertain significance for Progressive familial heart block type IB. Last evaluated: 2025-08-21. Review status: criteria provided, single submitter. Criteria: Invitae Variant Classification Sherloc (09022015). Collection method: clinical testing. Allele origin: germline.
Comment: This sequence change replaces valine, which is neutral and non-polar, with leucine, which is neutral and non-polar, at codon 921 of the TRPM4 protein (p.Val921Leu). This variant is present in population databases (rs377359117, gnomAD 0.0009%). This variant has not been reported in the literature in individuals affected with TRPM4-related conditions. An algorithm developed to predict the effect of missense changes on protein structure and function (PolyPhen-2) suggests that this variant is likely to be disruptive. In summary, the available evidence is currently insufficient to determine the role of this variant in disease. Therefore, it has been classified as a Variant of Uncertain Significance.

NM_017636.4(TRPM4):c.2761G>C (p.Val921Leu)

Gene: TRPM4 (transient receptor potential cation channel subfamily M member 4; plus strand). Cytogenetic location: 19q13.33.
Variant type: single nucleotide variant.
Coding change: c.2761G>C on transcript NM_017636.4 (MANE Select); coding-DNA position 2761, G replaced by C.
Protein change: p.Val921Leu; replaces valine 921 with leucine.
Molecular consequence: missense variant.
Genome position (GRCh38, 1-based): chr19:49,200,415, G>C. VCF-style: chr19-49200415-G-C. GRCh37 (hg19) VCF-style: chr19-49703672-G-C.
Other names: c.2326G>C, p.Val776Leu (NM_001195227.2); c.2416G>C, p.Val806Leu (NM_001321281.2); c.1153G>C, p.Val385Leu (NM_001321282.2); c.2239G>C, p.Val747Leu (NM_001321283.2); c.1699G>C, p.Val567Leu (NM_001321285.2); short protein forms V776L, V567L, V747L, V806L, V385L, V921L.
Identifiers: ClinVar variation 4694168 (VCV004694168.1).